The following is an entry in ClinVar:

NM_017617.5(NOTCH1):c.2041G>A (p.Glu681Lys)

Gene: NOTCH1 (notch receptor 1; minus strand). Cytogenetic location: 9q34.3.
Variant type: single nucleotide variant.
Coding change: c.2041G>A on transcript NM_017617.5 (MANE Select); coding-DNA position 2041, G replaced by A.
Protein change: p.Glu681Lys; replaces glutamic acid 681 with lysine.
Molecular consequence: missense variant.
Genome position (GRCh38, 1-based): chr9:136,514,676, C>T on the plus strand (G>A on the coding strand, the complement: NOTCH1 is on the minus strand). VCF-style: chr9-136514676-C-T. GRCh37 (hg19) VCF-style: chr9-139409128-C-T.
Other names: short protein forms E681K.
Identifiers: ClinVar variation 2091636 (VCV002091636.4), dbSNP rs2133361207, ClinGen allele CA375558869.
Genomic context (GRCh38, chr9:136,514,676, plus strand): 5'-TGAAGCCATTGATGCCGTCCTCGCAGGTGCCCCCGTTGTGGCAGGGGTTGCCCGCACACT[C>T]ATCGATGTTGATGTTACACATGCTCCCTAAGGGCAGGGCGGGTCAGACTCCGAGGCCCAG-3'
Protein context (NP_060087.3, residues 671-691): TGSMCNINID[Glu681Lys]CAGNPCHNGG

ClinVar aggregate classification (germline): Uncertain significance (1 of 4 stars; one submission).

Conditions:
Adams-Oliver syndrome 5 (AOS5). Identifiers: Orphanet 974, MedGen C4014970, MONDO:0014459, OMIM 616028.

Allele frequency attached by ClinVar (database versions not stated): gnomAD exomes below 0.00001.
gnomAD v4.1: 1 of 1,612,532 alleles (0.000062%); highest among the groups gnomAD compares: Non-Finnish European, 0.000085%; no homozygotes.

Submission:

Labcorp Genetics (formerly Invitae), Labcorp
Classification: Uncertain significance for Adams-Oliver syndrome 5. Last evaluated: 2022-02-01. Review status: criteria provided, single submitter. Criteria: Invitae Variant Classification Sherloc (09022015). Collection method: clinical testing. Allele origin: germline.
Comment: In summary, the available evidence is currently insufficient to determine the role of this variant in disease. Therefore, it has been classified as a Variant of Uncertain Significance. Algorithms developed to predict the effect of missense changes on protein structure and function (SIFT, PolyPhen-2, Align-GVGD) all suggest that this variant is likely to be disruptive. This variant has not been reported in the literature in individuals affected with NOTCH1-related conditions. This variant is not present in population databases (gnomAD no frequency). This sequence change replaces glutamic acid, which is acidic and polar, with lysine, which is basic and polar, at codon 681 of the NOTCH1 protein (p.Glu681Lys).